The following is an entry in ClinVar:

NM_001330588.2(TPP2):c.3179A>G (p.Glu1060Gly)

Gene: TPP2 (tripeptidyl peptidase 2; plus strand). Cytogenetic location: 13q33.1.
Variant type: single nucleotide variant.
Coding change: c.3179A>G on transcript NM_001330588.2 (MANE Select); coding-DNA position 3179, A replaced by G.
Protein change: p.Glu1060Gly; replaces glutamic acid 1060 with glycine.
Molecular consequence: missense variant. On other transcripts: non-coding transcript variant (1).
Genome position (GRCh38, 1-based): chr13:102,663,683, A>G. VCF-style: chr13-102663683-A-G. GRCh37 (hg19) VCF-style: chr13-103316033-A-G.
Other names: c.3140A>G, p.Glu1047Gly (NM_001367947.1, NM_003291.4); short protein forms E1047G, E1060G.
Identifiers: ClinVar variation 4711850 (VCV004711850.1).

ClinVar aggregate classification (germline): Uncertain significance (1 of 4 stars; one submission).

Conditions:
Evans syndrome, immunodeficiency, and premature immunosenescence associated with tripeptidyl-peptidase II deficiency. Identifiers: MedGen CN231723. Disease mechanism: loss of function.

Submission:

Labcorp Genetics (formerly Invitae), Labcorp
Classification: Uncertain significance for Evans syndrome, immunodeficiency, and premature immunosenescence associated with tripeptidyl-peptidase II deficiency. Last evaluated: 2025-10-14. Review status: criteria provided, single submitter. Criteria: Invitae Variant Classification Sherloc (09022015). Collection method: clinical testing. Allele origin: germline.
Comment: This sequence change replaces glutamic acid, which is acidic and polar, with glycine, which is neutral and non-polar, at codon 1047 of the TPP2 protein (p.Glu1047Gly). This variant is not present in population databases (gnomAD no frequency). This variant has not been reported in the literature in individuals affected with TPP2-related conditions. An algorithm developed to predict the effect of missense changes on protein structure and function (PolyPhen-2) suggests that this variant is likely to be tolerated. In summary, the available evidence is currently insufficient to determine the role of this variant in disease. Therefore, it has been classified as a Variant of Uncertain Significance.